The following is an entry in ClinVar:

ClinVar aggregate classification (germline): Uncertain significance (1 of 4 stars; one submission).

Submission:

Labcorp Genetics (formerly Invitae), Labcorp
Classification: Uncertain significance. Last evaluated: 2024-03-20. Review status: criteria provided, single submitter. Criteria: Invitae Variant Classification Sherloc (09022015). Collection method: clinical testing. Allele origin: germline.
Comment: This sequence change falls in intron 8 of the HIVEP2 gene. It does not directly change the encoded amino acid sequence of the HIVEP2 protein. It affects a nucleotide within the consensus splice site. This variant is not present in population databases (gnomAD no frequency). This variant has not been reported in the literature in individuals affected with HIVEP2-related conditions. Variants that disrupt the consensus splice site are a relatively common cause of aberrant splicing (PMID: 17576681, 9536098). Algorithms developed to predict the effect of sequence changes on RNA splicing suggest that this variant is not likely to affect RNA splicing. In summary, the available evidence is currently insufficient to determine the role of this variant in disease. Therefore, it has been classified as a Variant of Uncertain Significance.

Literature cited by the submitters: PubMed 17576681; PubMed 9536098.

NM_006734.4(HIVEP2):c.5620+3G>A

Gene: HIVEP2 (HIVEP zinc finger 2; minus strand). Cytogenetic location: 6q24.2.
Variant type: single nucleotide variant.
Coding change: c.5620+3G>A on transcript NM_006734.4 (MANE Select); 3 bases into the intron after coding-DNA position 5620, G replaced by A.
Molecular consequence: intron variant.
Genome position (GRCh38, 1-based): chr6:142,761,461, C>T on the plus strand (G>A on the coding strand, the complement: HIVEP2 is on the minus strand). VCF-style: chr6-142761461-C-T. GRCh37 (hg19) VCF-style: chr6-143082598-C-T.
Identifiers: ClinVar variation 2694587 (VCV002694587.3), dbSNP rs2482778621, ClinGen allele CA2680584206.